The following is an entry in ClinVar:

ClinVar aggregate classification (germline): Likely benign. Review status: criteria provided, multiple submitters, no conflicts (2 of 4 stars). 2 submissions from 2 submitters: Likely benign (2). Last evaluated 2025-07-25.

Conditions:
CLDN1-related disorder. Also called: CLDN1-related condition.

Allele frequency attached by ClinVar (database versions not stated): ExAC 0.00010; TOPMed 0.00011; ESP Exome Variant Server 0.00015; gnomAD exomes 0.00018; gnomAD 0.00015.
gnomAD v4.1: 281 of 1,614,048 alleles (0.017%); highest among the groups gnomAD compares: Non-Finnish European, 0.023%; no homozygotes.

Submissions (3):

Labcorp Genetics (formerly Invitae), Labcorp
Classification: Likely benign. Last evaluated: 2025-07-25. Review status: criteria provided, single submitter. Criteria: Invitae Variant Classification Sherloc (09022015). Collection method: clinical testing. Allele origin: germline.

PreventionGenetics, part of Exact Sciences
Classification: Likely benign for CLDN1-related condition. Last evaluated: 2025-01-27. Review status: criteria provided, single submitter. Criteria: ACMG Guidelines, 2015. Collection method: clinical testing. Allele origin: germline.
Comment: This variant is classified as likely benign based on ACMG/AMP sequence variant interpretation guidelines (Richards et al. 2015 PMID: 25741868, with internal and published modifications).

Dr. Peter K. Rogan Lab, Western University
No classification provided (evidence only). Condition: Gastric cancer. Review status: no classification provided. Collection method: in vitro. Allele origin: not applicable. Functional consequence: retained intron. Not counted in ClinVar's aggregate classification.

NM_021101.5(CLDN1):c.270G>A (p.Leu90=)

Genes: CLDN1 (claudin 1; minus strand), CLDN16 (claudin 16; plus strand). Cytogenetic location: 3q28.
Variant type: single nucleotide variant.
Coding change: c.270G>A on transcript NM_021101.5 (MANE Select); coding-DNA position 270, G replaced by A.
Protein change: p.Leu90=; no amino-acid change (leucine 90 retained).
Molecular consequence: synonymous variant. On other transcripts: intron variant (2).
Genome position (GRCh38, 1-based): chr3:190,312,990, C>T on the plus strand (G>A on the coding strand, the complement: CLDN1 is on the minus strand). VCF-style: chr3-190312990-C-T. GRCh37 (hg19) VCF-style: chr3-190030779-C-T.
Other names: c.-445-1903C>T (NM_001378492.1); c.-279+22399C>T (NM_001378493.1); c.270G>A (NM_021101.4).
Identifiers: ClinVar variation 2196778 (VCV002196778.5), dbSNP rs140296526, ClinGen allele CA2753588.